The following is an entry in ClinVar:

NM_000548.5(TSC2):c.5243A>G (p.Lys1748Arg)

Gene: TSC2 (TSC complex subunit 2; plus strand). Cytogenetic location: 16p13.3.
Variant type: single nucleotide variant.
Coding change: c.5243A>G on transcript NM_000548.5 (MANE Select); coding-DNA position 5243, A replaced by G.
Protein change: p.Lys1748Arg; replaces lysine 1748 with arginine.
Molecular consequence: missense variant.
Genome position (GRCh38, 1-based): chr16:2,088,309, A>G. VCF-style: chr16-2088309-A-G. GRCh37 (hg19) VCF-style: chr16-2138310-A-G.
Other names: c.5042A>G, p.Lys1681Arg (NM_001077183.3); c.5174A>G, p.Lys1725Arg (NM_001114382.3); c.4934A>G, p.Lys1645Arg (NM_001318827.2); c.4898A>G, p.Lys1633Arg (NM_001318829.2); c.4511A>G, p.Lys1504Arg (NM_001318831.2); c.5075A>G, p.Lys1692Arg (NM_001318832.2); c.5045A>G, p.Lys1682Arg (NM_001363528.2); c.5111A>G, p.Lys1704Arg (NM_001370404.1); and 2 more; short protein forms K1504R, K1633R, K1645R, K1681R, K1682R, K1692R, K1701R, K1704R.
Identifiers: ClinVar variation 1306138 (VCV001306138.3), dbSNP rs753424501, ClinGen allele CA054538.

ClinVar aggregate classification (germline): Uncertain significance. Review status: criteria provided, multiple submitters, no conflicts (2 of 4 stars). 2 submissions from 2 submitters: Uncertain significance (2). Last evaluated 2025-02-12.

Conditions:
Hereditary cancer-predisposing syndrome. Also called: Tumor predisposition; Neoplastic Syndromes, Hereditary; Hereditary Cancer Syndrome; Hereditary neoplastic syndrome. Identifiers: Orphanet 140162, MedGen C0027672, MeSH D009386, MONDO:0015356.

Allele frequency attached by ClinVar (database versions not stated): gnomAD exomes below 0.00001; ExAC 0.00001.
gnomAD v4.1: 1 of 1,612,678 alleles (0.000062%); highest among the groups gnomAD compares: East Asian, 0.0022%; no homozygotes.

Submissions (2):

Ambry Genetics
Classification: Uncertain significance for Hereditary cancer-predisposing syndrome. Last evaluated: 2025-02-12. Review status: criteria provided, single submitter. Criteria: Ambry Variant Classification Scheme 2023. Collection method: clinical testing. Allele origin: germline.
Comment: The p.K1748R variant (also known as c.5243A>G), located in coding exon 40 of the TSC2 gene, results from an A to G substitution at nucleotide position 5243. The lysine at codon 1748 is replaced by arginine, an amino acid with highly similar properties. This amino acid position is conserved. In addition, this alteration is predicted to be deleterious by in silico analysis. Based on the available evidence, the clinical significance of this variant remains unclear.

GeneDx
Classification: Uncertain significance. Last evaluated: 2019-05-28. Review status: criteria provided, single submitter. Criteria: GeneDx Variant Classification Process June 2021. Collection method: clinical testing. Allele origin: germline. Affected: yes.
Comment: In silico analysis, which includes protein predictors and evolutionary conservation, supports a deleterious effect; Has not been previously published as pathogenic or benign to our knowledge